The following is an entry in ClinVar:

ClinVar aggregate classification (germline): Uncertain significance. Review status: criteria provided, multiple submitters, no conflicts (2 of 4 stars). 2 submissions from 2 submitters: Uncertain significance (2). Last evaluated 2024-04-16.

Conditions:
Desbuquois dysplasia 1 (DBQD1). Also called: DESBUQUOIS DYSPLASIA 1, KIM VARIANT; MICROMELIC DWARFISM WITH VERTEBRAL AND METAPHYSEAL ABNORMALITIES AND ADVANCED CARPOTARSAL OSSIFICATION. Identifiers: Orphanet 1425, MedGen C4012146, MONDO:0009629, OMIM 251450.

Allele frequency attached by ClinVar (database versions not stated): ExAC 0.00019; 1000 Genomes Project 30x 0.00047; gnomAD exomes 0.00022; 1000 Genomes Project 0.00040.
gnomAD v4.1: 86 of 1,614,196 alleles (0.0053%); highest among the groups gnomAD compares: Admixed American, 0.1%; no homozygotes.

Submissions (2):

GeneDx
Classification: Uncertain significance. Last evaluated: 2024-04-16. Review status: criteria provided, single submitter. Criteria: GeneDx Variant Classification Process June 2021. Collection method: clinical testing. Allele origin: germline. Affected: yes.
Comment: In silico analysis indicates that this missense variant does not alter protein structure/function; Has not been previously published as pathogenic or benign to our knowledge

Labcorp Genetics (formerly Invitae), Labcorp
Classification: Uncertain significance for Desbuquois dysplasia 1. Last evaluated: 2023-12-22. Review status: criteria provided, single submitter. Criteria: Invitae Variant Classification Sherloc (09022015). Collection method: clinical testing. Allele origin: germline.
Comment: This sequence change replaces valine, which is neutral and non-polar, with methionine, which is neutral and non-polar, at codon 603 of the XYLT1 protein (p.Val603Met). This variant is present in population databases (rs187270026, gnomAD 0.1%). This variant has not been reported in the literature in individuals affected with XYLT1-related conditions. ClinVar contains an entry for this variant (Variation ID: 1358513). Advanced modeling of protein sequence and biophysical properties (such as structural, functional, and spatial information, amino acid conservation, physicochemical variation, residue mobility, and thermodynamic stability) performed at Invitae indicates that this missense variant is not expected to disrupt XYLT1 protein function with a negative predictive value of 80%. In summary, the available evidence is currently insufficient to determine the role of this variant in disease. Therefore, it has been classified as a Variant of Uncertain Significance.

NM_022166.4(XYLT1):c.1807G>A (p.Val603Met)

Genes: XYLT1 (xylosyltransferase 1; minus strand), LOC102723692 (uncharacterized LOC102723692; plus strand). Cytogenetic location: 16p12.3.
Variant type: single nucleotide variant.
Coding change: c.1807G>A on transcript NM_022166.4 (MANE Select); coding-DNA position 1807, G replaced by A.
Protein change: p.Val603Met; replaces valine 603 with methionine.
Molecular consequence: missense variant.
Genome position (GRCh38, 1-based): chr16:17,134,693, C>T on the plus strand (G>A on the coding strand, the complement: XYLT1 is on the minus strand). VCF-style: chr16-17134693-C-T. GRCh37 (hg19) VCF-style: chr16-17228550-C-T.
Other names: c.1807G>A (NM_022166.3); short protein forms V603M.
Identifiers: ClinVar variation 1358513 (VCV001358513.7), dbSNP rs187270026, ClinGen allele CA7927762.